The following is an entry in ClinVar:

ClinVar aggregate classification (germline): Conflicting classifications of pathogenicity. Review status: criteria provided, conflicting classifications (1 of 4 stars). 3 submissions from 3 submitters: Uncertain significance (2); Likely benign (1). Last evaluated 2025-11-03.

Conditions:
Developmental and epileptic encephalopathy, 42 (DEE42A). Also called: DEVELOPMENTAL AND EPILEPTIC ENCEPHALOPATHY 42A; EPILEPTIC ENCEPHALOPATHY, EARLY INFANTILE, 42A; Epileptic encephalopathy, early infantile, 42. Identifiers: MedGen C4310716, MONDO:0014917, OMIM 617106.
Episodic ataxia type 2 (EA2). Also called: ACETAZOLAMIDE-RESPONSIVE HEREDITARY PAROXYSMAL CEREBELLAR ATAXIA; ATAXIA, EPISODIC, WITH NYSTAGMUS; ATAXIA, FAMILIAL PAROXYSMAL; CEREBELLAR ATAXIA, PAROXYSMAL, ACETAZOLAMIDE-RESPONSIVE; CEREBELLOPATHY, HEREDITARY PAROXYSMAL; EPISODIC ATAXIA, NYSTAGMUS-ASSOCIATED. Identifiers: Orphanet 97, MedGen C1720416, MONDO:0007163, OMIM 108500.
Inborn genetic diseases. Identifiers: MedGen C0950123, MeSH D030342.

Allele frequency attached by ClinVar (database versions not stated): ExAC 0.00001; gnomAD exomes 0.00001 and 0.00002; TOPMed 0.00001; gnomAD 0.00002.
gnomAD v4.1: 18 of 1,613,180 alleles (0.0011%); highest among the groups gnomAD compares: East Asian, 0.0045%; no homozygotes.

Submissions (3):

Ambry Genetics
Classification: Uncertain significance for Inborn genetic diseases. Last evaluated: 2025-11-03. Review status: criteria provided, single submitter. Criteria: Ambry Variant Classification Scheme 2023. Collection method: clinical testing. Allele origin: germline.

Labcorp Genetics (formerly Invitae), Labcorp
Classification: Likely benign for Developmental and epileptic encephalopathy, 42; Episodic ataxia type 2. Last evaluated: 2025-09-10. Review status: criteria provided, single submitter. Criteria: Invitae Variant Classification Sherloc (09022015). Collection method: clinical testing. Allele origin: germline.

GeneDx
Classification: Uncertain significance. Last evaluated: 2016-12-06. Review status: criteria provided, single submitter. Criteria: GeneDx Variant Classification (06012015). Collection method: clinical testing. Allele origin: germline. Affected: yes.
Comment: A variant of uncertain significance has been identified in the CACNA1A gene. The Q829R variant has not been published as a pathogenic variant, nor has it been reported as a benign variant to our knowledge. The Q829R variant is not observed at a significant frequency in large population cohorts (Lek et al., 2016; 1000 Genomes Consortium et al., 2015; Exome Variant Server). The Q829R variant is a semi-conservative amino acid substitution, which may impact secondary protein structure as these residues differ in some properties. This substitution occurs at a position that is conserved in mammals. However, missense variants in nearby residues have not been reported in the Human Gene Mutation Database in association with CACNA1A-related disorders (Stenson et al., 2014). In silico analysis is inconsistent in its predictions as to whether or not the variant is damaging to the protein structure/function. Therefore, based on the currently available information, it is unclear whether this variant is a pathogenic variant or a rare benign variant.

NM_001127222.2(CACNA1A):c.2483A>G (p.Gln828Arg)

Gene: CACNA1A (calcium voltage-gated channel subunit alpha1 A; minus strand). Cytogenetic location: 19p13.13.
Variant type: single nucleotide variant.
Coding change: c.2483A>G on transcript NM_001127222.2 (MANE Select); coding-DNA position 2483, A replaced by G.
Protein change: p.Gln828Arg; replaces glutamine 828 with arginine.
Molecular consequence: missense variant.
Genome position (GRCh38, 1-based): chr19:13,299,150, T>C on the plus strand (A>G on the coding strand, the complement: CACNA1A is on the minus strand). VCF-style: chr19-13299150-T-C. GRCh37 (hg19) VCF-style: chr19-13409964-T-C.
Other names: c.2495A>G, p.Gln832Arg (NM_000068.4, NM_023035.3); c.2486A>G, p.Gln829Arg (NM_001127221.2, NM_001174080.2); short protein forms Q829R, Q832R, Q828R.
Identifiers: ClinVar variation 373648 (VCV000373648.10), dbSNP rs753196787, ClinGen allele CA9240545.